The following is an entry in ClinVar:

NM_001077525.3(MTMR14):c.829G>A (p.Val277Ile)

Gene: MTMR14 (myotubularin related protein 14; plus strand). Cytogenetic location: 3p25.3.
Variant type: single nucleotide variant.
Coding change: c.829G>A on transcript NM_001077525.3 (MANE Select); coding-DNA position 829, G replaced by A.
Protein change: p.Val277Ile; replaces valine 277 with isoleucine.
Molecular consequence: missense variant. On other transcripts: non-coding transcript variant (4), intron variant (12).
Genome position (GRCh38, 1-based): chr3:9,677,990, G>A. VCF-style: chr3-9677990-G-A. GRCh37 (hg19) VCF-style: chr3-9719674-G-A.
Other names: c.583G>A, p.Val195Ile (NM_001400524.1, NM_001400527.1, NM_001400530.1); c.547G>A, p.Val183Ile (NM_001400525.1, NM_001400529.1, NM_001400532.1); c.580G>A, p.Val194Ile (NM_001400531.1); c.187G>A, p.Val63Ile (NM_001400533.1, NM_001400534.1, NM_001400535.1 and 7 more transcripts); c.829G>A, p.Val277Ile (NM_022485.5, NM_001077526.3); c.891+603G>A (NM_001400526.1); c.822+603G>A (NM_001400520.1, NM_001400523.1, NM_001400528.1); c.37-5188G>A (NM_001400547.1, NM_001400548.1, NM_001400544.1 and 1 more transcripts); and 5 more; short protein forms V194I, V195I, V276I, V63I, V300I, V183I, V277I.
Identifiers: ClinVar variation 3652017 (VCV003652017.2).

ClinVar aggregate classification (germline): Uncertain significance (1 of 4 stars; one submission).

gnomAD v4.1: 2 of 1,614,022 alleles (0.00012%); highest among the groups gnomAD compares: Non-Finnish European, 0.00017%; no homozygotes.

Submission:

Labcorp Genetics (formerly Invitae), Labcorp
Classification: Uncertain significance. Last evaluated: 2024-04-03. Review status: criteria provided, single submitter. Criteria: Invitae Variant Classification Sherloc (09022015). Collection method: clinical testing. Allele origin: germline.
Comment: This sequence change replaces valine, which is neutral and non-polar, with isoleucine, which is neutral and non-polar, at codon 277 of the MTMR14 protein (p.Val277Ile). This variant is not present in population databases (gnomAD no frequency). This variant has not been reported in the literature in individuals affected with MTMR14-related conditions. Advanced modeling of protein sequence and biophysical properties (such as structural, functional, and spatial information, amino acid conservation, physicochemical variation, residue mobility, and thermodynamic stability) performed at Invitae indicates that this missense variant is not expected to disrupt MTMR14 protein function with a negative predictive value of 80%. In summary, the available evidence is currently insufficient to determine the role of this variant in disease. Therefore, it has been classified as a Variant of Uncertain Significance.